The following is an entry in ClinVar:

ClinVar aggregate classification (germline): Uncertain significance (1 of 4 stars; one submission).

Allele frequency attached by ClinVar (database versions not stated): ExAC 0.00005; TOPMed 0.00014; gnomAD 0.00015; ESP Exome Variant Server 0.00031.
gnomAD v4.1: 35 of 1,613,732 alleles (0.0022%); highest among the groups gnomAD compares: African/African-American, 0.045%; no homozygotes.

Submission:

Labcorp Genetics (formerly Invitae), Labcorp
Classification: Uncertain significance. Last evaluated: 2024-10-24. Review status: criteria provided, single submitter. Criteria: Invitae Variant Classification Sherloc (09022015). Collection method: clinical testing. Allele origin: germline.
Comment: This sequence change replaces histidine, which is basic and polar, with tyrosine, which is neutral and polar, at codon 108 of the PRUNE1 protein (p.His108Tyr). This variant is present in population databases (rs147167297, gnomAD 0.06%). This variant has not been reported in the literature in individuals affected with PRUNE1-related conditions. ClinVar contains an entry for this variant (Variation ID: 2417327). Invitae Evidence Modeling of protein sequence and biophysical properties (such as structural, functional, and spatial information, amino acid conservation, physicochemical variation, residue mobility, and thermodynamic stability) indicates that this missense variant is expected to disrupt PRUNE1 protein function with a positive predictive value of 80%. In summary, the available evidence is currently insufficient to determine the role of this variant in disease. Therefore, it has been classified as a Variant of Uncertain Significance.

NM_021222.3(PRUNE1):c.322C>T (p.His108Tyr)

Gene: PRUNE1 (prune exopolyphosphatase 1; plus strand). Cytogenetic location: 1q21.3.
Variant type: single nucleotide variant.
Coding change: c.322C>T on transcript NM_021222.3 (MANE Select); coding-DNA position 322, C replaced by T.
Protein change: p.His108Tyr; replaces histidine 108 with tyrosine.
Molecular consequence: missense variant. On other transcripts: synonymous variant (1), intron variant (1).
Genome position (GRCh38, 1-based): chr1:151,018,656, C>T. VCF-style: chr1-151018656-C-T. GRCh37 (hg19) VCF-style: chr1-150991132-C-T.
Other names: c.322C>T, p.His108Tyr (NM_001303242.2); c.63C>T, p.Ile21= (NM_001303243.2); c.-212+752C>T (NM_001303229.2); short protein forms H108Y.
Identifiers: ClinVar variation 2417327 (VCV002417327.7), dbSNP rs147167297, ClinGen allele CA1083737.